The following is an entry in ClinVar:

ClinVar aggregate classification (germline): Uncertain significance. Review status: criteria provided, multiple submitters, no conflicts (2 of 4 stars). 2 submissions from 2 submitters: Uncertain significance (2). Last evaluated 2023-11-09.

Submissions (2):

ARUP Laboratories, Molecular Genetics and Genomics, ARUP Laboratories
Classification: Uncertain significance. Last evaluated: 2023-11-09. Review status: criteria provided, single submitter. Criteria: ARUP Molecular Germline Variant Investigation Process 2024. Collection method: clinical testing. Allele origin: germline.

Labcorp Genetics (formerly Invitae), Labcorp
Classification: Uncertain significance. Last evaluated: 2022-07-28. Review status: criteria provided, single submitter. Criteria: Invitae Variant Classification Sherloc (09022015). Collection method: clinical testing. Allele origin: germline.
Comment: This variant, c.3170_3172del, results in the deletion of 1 amino acid(s) of the DMXL2 protein (p.Glu1057del), but otherwise preserves the integrity of the reading frame. This variant is present in population databases (rs747918100, gnomAD 0.0009%). This variant has not been reported in the literature in individuals affected with DMXL2-related conditions. Experimental studies and prediction algorithms are not available or were not evaluated, and the functional significance of this variant is currently unknown. In summary, the available evidence is currently insufficient to determine the role of this variant in disease. Therefore, it has been classified as a Variant of Uncertain Significance.

NM_001378457.1(DMXL2):c.3170_3172del (p.Glu1057del)

Gene: DMXL2 (Dmx like 2; minus strand). Cytogenetic location: 15q21.2.
Variant type: Deletion.
Coding change: c.3170_3172del on transcript NM_001378457.1 (MANE Select); coding-DNA positions 3170 to 3172, 3 bases deleted (AAG; older notation c.3170_3172delAAG).
Protein change: p.Glu1057del; deletes glutamic acid 1057.
Molecular consequence: inframe deletion. On other transcripts: non-coding transcript variant (2), intron variant (2).
Genome position (GRCh38, 1-based): chr15:51,500,052-51,500,054, CTT deleted on the plus strand (AAG on the coding strand, the reverse complement: DMXL2 is on the minus strand); deleting any 3 consecutive bases within chr15:51,500,052-51,500,055 gives the same sequence; the c. name uses the placement nearest the transcript's 3' end. VCF-style (leftmost placement, unchanged base first): chr15-51500051-CCTT-C. GRCh37 (hg19) VCF-style: chr15-51792248-CCTT-C.
Other names: c.3170_3172del, p.Glu1057del (NM_001174116.3, NM_001378458.1, NM_001378459.1 and 4 more transcripts); c.2930_2932del, p.Glu977del (NM_001378464.1); c.2764+7080_2764+7082del (NM_001378460.1); c.2765-4920_2765-4918del (NM_001174117.3); short protein forms E977del, E1057del.
Identifiers: ClinVar variation 2184780 (VCV002184780.2), dbSNP rs747918100, ClinGen allele CA7562198.
Genomic context (GRCh38, chr15:51,500,051, plus strand): 5'-TATGAACAGCTAACAGCAACTGGTCTTCCCACAATGCTCACTGTACTGCTATTATCTTCT[CCTT>C]CATCATTCATCAAAGGCCATCTCTTCCAATGATAAATTTCTTTCTCATCACTTTTATTAC-3'